The following is an entry in ClinVar:

NM_001458.5(FLNC):c.6634C>T (p.Gln2212Ter)

Genes: FLNC-AS1 (FLNC antisense RNA 1; minus strand), FLNC (filamin C; plus strand). Cytogenetic location: 7q32.1.
Variant type: single nucleotide variant.
Coding change: c.6634C>T on transcript NM_001458.5 (MANE Select); coding-DNA position 6634, C replaced by T.
Protein change: p.Gln2212Ter; replaces glutamine 2212 with a stop codon.
Molecular consequence: nonsense.
Genome position (GRCh38, 1-based): chr7:128,854,123, C>T. VCF-style: chr7-128854123-C-T. GRCh37 (hg19) VCF-style: chr7-128494177-C-T.
Other names: c.6535C>T, p.Gln2179Ter (NM_001127487.2); short protein forms Q2179*, Q2212*.
Identifiers: ClinVar variation 1457860 (VCV001457860.6), dbSNP rs2128939316, ClinGen allele CA369212971.

ClinVar aggregate classification (germline): Pathogenic (1 of 4 stars; one submission).

Conditions:
Distal myopathy with posterior leg and anterior hand involvement. Also called: WILLIAMS DISTAL MYOPATHY. Identifiers: Orphanet 63273, MedGen C3279722, MONDO:0013550, OMIM 614065.
Hypertrophic cardiomyopathy 26. Also called: Cardiomyopathy, familial hypertrophic, 26. Identifiers: Orphanet 75249, MedGen C4310749, MONDO:0014883, OMIM 617047.
Myofibrillar myopathy 5. Also called: FILAMINOPATHY, AUTOSOMAL DOMINANT; Filaminopathy (type). Identifiers: Orphanet 171445, MedGen C1836050, MONDO:0012289, OMIM 609524.

Submission:

Labcorp Genetics (formerly Invitae), Labcorp
Classification: Pathogenic for Distal myopathy with posterior leg and anterior hand involvement; Myofibrillar myopathy 5; Hypertrophic cardiomyopathy 26. Last evaluated: 2024-12-24. Review status: criteria provided, single submitter. Criteria: Invitae Variant Classification Sherloc (09022015). Collection method: clinical testing. Allele origin: germline.
Comment: This sequence change creates a premature translational stop signal (p.Gln2212*) in the FLNC gene. It is expected to result in an absent or disrupted protein product. Loss-of-function variants in FLNC are known to be pathogenic (PMID: 27908349). This variant is not present in population databases (gnomAD no frequency). This variant has not been reported in the literature in individuals affected with FLNC-related conditions. ClinVar contains an entry for this variant (Variation ID: 1457860). For these reasons, this variant has been classified as Pathogenic.

Literature cited by the submitters: PubMed 27908349.